The following is an entry in ClinVar:

NM_001111.5(ADAR):c.3077G>A (p.Arg1026Gln)

Gene: ADAR (adenosine deaminase RNA specific; minus strand). Cytogenetic location: 1q21.3.
Variant type: single nucleotide variant.
Coding change: c.3077G>A on transcript NM_001111.5 (MANE Select); coding-DNA position 3077, G replaced by A.
Protein change: p.Arg1026Gln; replaces arginine 1026 with glutamine.
Molecular consequence: missense variant.
Genome position (GRCh38, 1-based): chr1:154,586,306, C>T on the plus strand (G>A on the coding strand, the complement: ADAR is on the minus strand). VCF-style: chr1-154586306-C-T. GRCh37 (hg19) VCF-style: chr1-154558782-C-T.
Other names: c.2942G>A, p.Arg981Gln (NM_015841.4); c.2192G>A, p.Arg731Gln (NM_001025107.3, NM_001193495.2, NM_001365046.1 and 2 more transcripts); c.3104G>A, p.Arg1035Gln (NM_001365045.1); c.2114G>A, p.Arg705Gln (NM_001365049.1); c.2999G>A, p.Arg1000Gln (NM_015840.4); short protein forms R1000Q, R981Q, R1035Q, R705Q, R1026Q, R731Q.
Identifiers: ClinVar variation 2943877 (VCV002943877.4), dbSNP rs910431526, ClinGen allele CA30849595.
Genomic context (GRCh38, chr1:154,586,306, plus strand): 5'-AGCACGTTCCAGCGTAGGATTTTGTCACTACAGGACATGGTACGGAGTCTCTCCCCGAGC[C>T]GAATGCCATCCCACGTAGGCACAATGTCACTGGATTCCACAGGGATTGTGCCTTCTCCTG-3'
Protein context (NP_001102.3, residues 1016-1036): SDIVPTWDGI[Arg1026Gln]LGERLRTMSC

ClinVar aggregate classification (germline): Uncertain significance. Review status: criteria provided, multiple submitters, no conflicts (2 of 4 stars). 2 submissions from 2 submitters: Uncertain significance (2). Last evaluated 2024-03-09.

Conditions:
Symmetrical dyschromatosis of extremities (DSH). Also called: Dyschromatosis symmetrica hereditaria; RETICULATE ACROPIGMENTATION OF DOHI; DYSCHROMATOSIS SYMMETRICA HEREDITARIA 1; SYMMETRIC DYSCHROMATOSIS OF THE EXTREMITIES. Identifiers: Orphanet 41, MedGen C0406775, MONDO:0007483, OMIM 127400.
Aicardi-Goutieres syndrome 6 (AGS6). Identifiers: Orphanet 51, MedGen C3539013, MONDO:0014007, OMIM 615010.

gnomAD v4.1: 14 of 1,614,196 alleles (0.00087%); highest among the groups gnomAD compares: South Asian, 0.0033%; no homozygotes.

Submissions (2):

Labcorp Genetics (formerly Invitae), Labcorp
Classification: Uncertain significance for Aicardi-Goutieres syndrome 6; Symmetrical dyschromatosis of extremities. Last evaluated: 2024-03-09. Review status: criteria provided, single submitter. Criteria: Invitae Variant Classification Sherloc (09022015). Collection method: clinical testing. Allele origin: germline.
Comment: This sequence change replaces arginine, which is basic and polar, with glutamine, which is neutral and polar, at codon 1026 of the ADAR protein (p.Arg1026Gln). This variant is present in population databases (no rsID available, gnomAD 0.0009%). This variant has not been reported in the literature in individuals affected with ADAR-related conditions. Advanced modeling of protein sequence and biophysical properties (such as structural, functional, and spatial information, amino acid conservation, physicochemical variation, residue mobility, and thermodynamic stability) performed at Invitae indicates that this missense variant is not expected to disrupt ADAR protein function with a negative predictive value of 80%. In summary, the available evidence is currently insufficient to determine the role of this variant in disease. Therefore, it has been classified as a Variant of Uncertain Significance.

Blueprint Genetics
Classification: Uncertain significance. Last evaluated: 2024-02-12. Review status: criteria provided, single submitter. Criteria: ACMG Guidelines, 2015. Collection method: clinical testing. Allele origin: germline.